The following is an entry in ClinVar:

NM_012470.4(TNPO3):c.2541del (p.Tyr848fs)

Gene: TNPO3 (transportin 3; minus strand). Cytogenetic location: 7q32.1.
Variant type: Deletion.
Coding change: c.2541del on transcript NM_012470.4 (MANE Select); coding-DNA position 2541, one base deleted (C; older notation c.2541delC).
Protein change: p.Tyr848fs; shifts the reading frame from tyrosine 848.
Molecular consequence: frameshift variant. On other transcripts: non-coding transcript variant (18).
Genome position (GRCh38, 1-based): chr7:128,970,205, G deleted on the plus strand (C on the coding strand, the reverse complement: TNPO3 is on the minus strand); the first of 7 consecutive G bases (chr7:128,970,205-128,970,211); deleting any one gives the same sequence. VCF-style (leftmost placement, unchanged base first): chr7-128970204-AG-A. GRCh37 (hg19) VCF-style: chr7-128610258-AG-A.
Other names: c.2349del, p.Tyr784fs (NM_001191028.3, NM_001382223.1); c.2643del, p.Tyr882fs (NM_001382216.1); c.2622del, p.Tyr875fs (NM_001382217.1); c.2541del, p.Tyr848fs (NM_001382218.1); c.2433del, p.Tyr812fs (NM_001382219.1); c.2400del, p.Tyr801fs (NM_001382220.1); c.2397del, p.Tyr800fs (NM_001382221.1); c.2394del, p.Tyr799fs (NM_001382222.1); short protein forms Y801fs, Y848fs, Y875fs, Y784fs, Y800fs, Y882fs, Y812fs, Y799fs.
Identifiers: ClinVar variation 2109760 (VCV002109760.4), dbSNP rs761308428, ClinGen allele CA645546860.

ClinVar aggregate classification (germline): Uncertain significance (1 of 4 stars; one submission).

Conditions:
Autosomal dominant limb-girdle muscular dystrophy type 1F (LGMDD2). Also called: Limb-girdle muscular dystrophy, type 1F; MUSCULAR DYSTROPHY, LIMB-GIRDLE, AUTOSOMAL DOMINANT 2. Identifiers: Orphanet 55595, MedGen C1842062, MONDO:0012034, OMIM 608423.

Submission:

Labcorp Genetics (formerly Invitae), Labcorp
Classification: Uncertain significance for Autosomal dominant limb-girdle muscular dystrophy type 1F. Last evaluated: 2023-10-03. Review status: criteria provided, single submitter. Criteria: Invitae Variant Classification Sherloc (09022015). Collection method: clinical testing. Allele origin: germline.
Comment: This sequence change creates a premature translational stop signal (p.Tyr848Ilefs*25) in the TNPO3 gene. It is expected to result in an absent or disrupted protein product. However, the current clinical and genetic evidence is not sufficient to establish whether loss-of-function variants in TNPO3 cause disease. This variant is not present in population databases (gnomAD no frequency). This premature translational stop signal has been observed in individual(s) with neurodevelopmental disorders (PMID: 31674007). ClinVar contains an entry for this variant (Variation ID: 2109760). In summary, the available evidence is currently insufficient to determine the role of this variant in disease. Therefore, it has been classified as a Variant of Uncertain Significance.

Literature cited by the submitters: PubMed 31674007.